The following is an entry in ClinVar:

NM_015295.3(SMCHD1):c.2678C>T (p.Pro893Leu)

Gene: SMCHD1 (structural maintenance of chromosomes flexible hinge domain containing 1; plus strand). Cytogenetic location: 18p11.32.
Variant type: single nucleotide variant.
Coding change: c.2678C>T on transcript NM_015295.3 (MANE Select); coding-DNA position 2678, C replaced by T.
Protein change: p.Pro893Leu; replaces proline 893 with leucine.
Molecular consequence: missense variant.
Genome position (GRCh38, 1-based): chr18:2,724,973, C>T. VCF-style: chr18-2724973-C-T. GRCh37 (hg19) VCF-style: chr18-2724971-C-T.
Other names: short protein forms P893L.
Identifiers: ClinVar variation 4780947 (VCV004780947.1).

ClinVar aggregate classification (germline): Uncertain significance (1 of 4 stars; one submission).

Conditions:
Facioscapulohumeral muscular dystrophy 2 (FSHD2). Also called: MUSCULAR DYSTROPHY, FACIOSCAPULOHUMERAL, TYPE 1B; FACIOSCAPULOHUMERAL MUSCULAR DYSTROPHY 2, DIGENIC; FSHD2, DIGENIC. Identifiers: Orphanet 269, MedGen C1834671, MONDO:0008031, OMIM 158901.

gnomAD v4.1: 4 of 1,582,426 alleles (0.00025%); highest among the groups gnomAD compares: Non-Finnish European, 0.00034%; no homozygotes.

Submission:

Labcorp Genetics (formerly Invitae), Labcorp
Classification: Uncertain significance for Facioscapulohumeral muscular dystrophy 2. Last evaluated: 2025-06-17. Review status: criteria provided, single submitter. Criteria: Invitae Variant Classification Sherloc (09022015). Collection method: clinical testing. Allele origin: germline.
Comment: This sequence change replaces proline, which is neutral and non-polar, with leucine, which is neutral and non-polar, at codon 893 of the SMCHD1 protein (p.Pro893Leu). This variant is not present in population databases (gnomAD no frequency). This variant has not been reported in the literature in individuals affected with SMCHD1-related conditions. Invitae Evidence Modeling of protein sequence and biophysical properties (such as structural, functional, and spatial information, amino acid conservation, physicochemical variation, residue mobility, and thermodynamic stability) indicates that this missense variant is not expected to disrupt SMCHD1 protein function with a negative predictive value of 80%. In summary, the available evidence is currently insufficient to determine the role of this variant in disease. Therefore, it has been classified as a Variant of Uncertain Significance.